The following is an entry in ClinVar:

ClinVar aggregate classification (germline): Uncertain significance (1 of 4 stars; one submission).

Conditions:
Fanconi anemia (FA). Also called: Fanconi's anemia. Identifiers: Orphanet 84, MedGen C0015625, MeSH D005199, MONDO:0019391.

Allele frequency attached by ClinVar (database versions not stated): gnomAD exomes below 0.00001; ExAC 0.00001; gnomAD 0.00001.
gnomAD v4.1: 8 of 1,613,980 alleles (0.0005%); highest among the groups gnomAD compares: Non-Finnish European, 0.00068%; no homozygotes.

Submission:

Labcorp Genetics (formerly Invitae), Labcorp
Classification: Uncertain significance for Fanconi anemia. Last evaluated: 2024-05-23. Review status: criteria provided, single submitter. Criteria: Invitae Variant Classification Sherloc (09022015). Collection method: clinical testing. Allele origin: germline.
Comment: This sequence change replaces leucine, which is neutral and non-polar, with arginine, which is basic and polar, at codon 812 of the FANCA protein (p.Leu812Arg). This variant is present in population databases (rs749326662, gnomAD 0.0009%). This variant has not been reported in the literature in individuals affected with FANCA-related conditions. ClinVar contains an entry for this variant (Variation ID: 854276). Advanced modeling of protein sequence and biophysical properties (such as structural, functional, and spatial information, amino acid conservation, physicochemical variation, residue mobility, and thermodynamic stability) performed at Invitae indicates that this missense variant is not expected to disrupt FANCA protein function with a negative predictive value of 80%. In summary, the available evidence is currently insufficient to determine the role of this variant in disease. Therefore, it has been classified as a Variant of Uncertain Significance.

NM_000135.4(FANCA):c.2435T>G (p.Leu812Arg)

Gene: FANCA (FA complementation group A; minus strand). Cytogenetic location: 16q24.3.
Variant type: single nucleotide variant.
Coding change: c.2435T>G on transcript NM_000135.4 (MANE Select); coding-DNA position 2435, T replaced by G.
Protein change: p.Leu812Arg; replaces leucine 812 with arginine.
Molecular consequence: missense variant.
Genome position (GRCh38, 1-based): chr16:89,769,906, A>C on the plus strand (T>G on the coding strand, the complement: FANCA is on the minus strand). VCF-style: chr16-89769906-A-C. GRCh37 (hg19) VCF-style: chr16-89836314-A-C.
Other names: c.2435T>G, p.Leu812Arg (NM_001286167.3); short protein forms L812R.
Identifiers: ClinVar variation 854276 (VCV000854276.9), dbSNP rs749326662, ClinGen allele CA8251727.